The following is an entry in ClinVar:

NM_000135.4(FANCA):c.2602-2A>C

Genes: FANCA (FA complementation group A; minus strand), LOC130059837 (ATAC-STARR-seq lymphoblastoid active region 11420; plus strand). Cytogenetic location: 16q24.3.
Variant type: single nucleotide variant.
Coding change: c.2602-2A>C on transcript NM_000135.4 (MANE Select); the canonical splice acceptor site of the intron before coding-DNA position 2602, A replaced by C.
Molecular consequence: splice acceptor variant.
Genome position (GRCh38, 1-based): chr16:89,765,068, T>G on the plus strand (A>C on the coding strand, the complement: FANCA is on the minus strand). VCF-style: chr16-89765068-T-G. GRCh37 (hg19) VCF-style: chr16-89831476-T-G.
Other names: c.2602-2A>C (NM_001286167.3).
Identifiers: ClinVar variation 974240 (VCV000974240.7), dbSNP rs1555545592, ClinGen allele CA397438953.

ClinVar aggregate classification (germline): Pathogenic/Likely pathogenic. Review status: criteria provided, multiple submitters, no conflicts (2 of 4 stars). 3 submissions from 3 submitters: Pathogenic (1); Likely pathogenic (1). 1 of the submissions does not count toward it. Last evaluated 2023-03-05.

Conditions:
Fanconi anemia (FA). Also called: Fanconi's anemia. Identifiers: Orphanet 84, MedGen C0015625, MeSH D005199, MONDO:0019391.
Fanconi anemia complementation group A (FANCA). Also called: Fanconi anemia, group A; FANCA-Related Fanconi Anemia. Identifiers: Orphanet 84, MedGen C3469521, MONDO:0009215, OMIM 227650.

Submissions (3):

Baylor Genetics
Classification: Likely pathogenic for Fanconi anemia complementation group A. Last evaluated: 2023-03-05. Review status: criteria provided, single submitter. Criteria: ACMG Guidelines, 2015. Collection method: clinical testing. Allele origin: unknown.

Labcorp Genetics (formerly Invitae), Labcorp
Classification: Pathogenic for Fanconi anemia. Last evaluated: 2022-08-28. Review status: criteria provided, single submitter. Criteria: Invitae Variant Classification Sherloc (09022015). Collection method: clinical testing. Allele origin: germline.
Comment: For these reasons, this variant has been classified as Pathogenic. Algorithms developed to predict the effect of sequence changes on RNA splicing suggest that this variant may disrupt the consensus splice site. ClinVar contains an entry for this variant (Variation ID: 974240). Disruption of this splice site has been observed in individuals with Fanconi anemia (PMID: 10090479, 28102861). This variant is not present in population databases (gnomAD no frequency). This sequence change affects an acceptor splice site in intron 27 of the FANCA gene. It is expected to disrupt RNA splicing. Variants that disrupt the donor or acceptor splice site typically lead to a loss of protein function (PMID: 16199547), and loss-of-function variants in FANCA are known to be pathogenic (PMID: 19367192).

Leiden Open Variation Database
Classification: Pathogenic for Fanconi anemia complementation group A. Last evaluated: 2020-02-28. Review status: no assertion criteria provided. Collection method: curation. Allele origin: germline. Affected: yes. Not counted in ClinVar's aggregate classification.
Comment: Curator: Arleen D. Auerbach. Submitter to LOVD: Arleen D. Auerbach.

Literature cited by the submitters: PubMed 10090479 (cited by Labcorp Genetics (formerly Invitae), Labcorp); PubMed 28102861 (cited by Labcorp Genetics (formerly Invitae), Labcorp); PubMed 16199547 (cited by Labcorp Genetics (formerly Invitae), Labcorp); PubMed 19367192 (cited by Labcorp Genetics (formerly Invitae), Labcorp); PubMed 15523645 (cited by Leiden Open Variation Database).